The following is an entry in ClinVar:

NM_016329.4(SFMBT1):c.1440C>T (p.His480=)

Gene: SFMBT1 (Scm like with four mbt domains 1; minus strand). Cytogenetic location: 3p21.1.
Variant type: single nucleotide variant.
Coding change: c.1440C>T on transcript NM_016329.4 (MANE Select); coding-DNA position 1440, C replaced by T.
Protein change: p.His480=; no amino-acid change (histidine 480 retained).
Molecular consequence: synonymous variant.
Genome position (GRCh38, 1-based): chr3:52,916,190, G>A on the plus strand (C>T on the coding strand, the complement: SFMBT1 is on the minus strand). VCF-style: chr3-52916190-G-A. GRCh37 (hg19) VCF-style: chr3-52950206-G-A.
Identifiers: ClinVar variation 2653900 (VCV002653900.24), dbSNP rs151052292, ClinGen allele CA2450677.

ClinVar aggregate classification (germline): Likely benign (1 of 4 stars; one submission).

Allele frequency attached by ClinVar (database versions not stated): 1000 Genomes Project 0.00040; ESP Exome Variant Server 0.00046; 1000 Genomes Project 30x 0.00047; TOPMed 0.00064; ExAC 0.00077.
gnomAD v4.1: 818 of 1,613,882 alleles (0.051%); highest among the groups gnomAD compares: East Asian, 0.19%; 4 homozygotes.

Submission:

CeGaT Center for Human Genetics Tuebingen
Classification: Likely benign. Last evaluated: 2023-08-01. Review status: criteria provided, single submitter. Criteria: CeGaT Center For Human Genetics Tuebingen Variant Classification Criteria Version 2. Collection method: clinical testing. Allele origin: germline. Affected: yes. Observed: 1 variant allele.
Comment: SFMBT1: BP4, BP7